The following is an entry in ClinVar:

NM_001084.5(PLOD3):c.2004C>G (p.His668Gln)

Gene: PLOD3 (procollagen-lysine,2-oxoglutarate 5-dioxygenase 3; minus strand). Cytogenetic location: 7q22.1.
Variant type: single nucleotide variant.
Coding change: c.2004C>G on transcript NM_001084.5 (MANE Select); coding-DNA position 2004, C replaced by G.
Protein change: p.His668Gln; replaces histidine 668 with glutamine.
Molecular consequence: missense variant.
Genome position (GRCh38, 1-based): chr7:101,206,836, G>C on the plus strand (C>G on the coding strand, the complement: PLOD3 is on the minus strand). VCF-style: chr7-101206836-G-C. GRCh37 (hg19) VCF-style: chr7-100850117-G-C.
Other names: short protein forms H668Q.
Identifiers: ClinVar variation 4740378 (VCV004740378.1).

ClinVar aggregate classification (germline): Uncertain significance (1 of 4 stars; one submission).

Submission:

Labcorp Genetics (formerly Invitae), Labcorp
Classification: Uncertain significance. Last evaluated: 2025-08-29. Review status: criteria provided, single submitter. Criteria: Invitae Variant Classification Sherloc (09022015). Collection method: clinical testing. Allele origin: germline.
Comment: This sequence change replaces histidine, which is basic and polar, with glutamine, which is neutral and polar, at codon 668 of the PLOD3 protein (p.His668Gln). This variant is not present in population databases (gnomAD no frequency). This variant has not been reported in the literature in individuals affected with PLOD3-related conditions. Invitae Evidence Modeling of protein sequence and biophysical properties (such as structural, functional, and spatial information, amino acid conservation, physicochemical variation, residue mobility, and thermodynamic stability) has been performed for this missense variant. However, the output from this modeling did not meet the statistical confidence thresholds required to predict the impact of this variant on PLOD3 protein function. In summary, the available evidence is currently insufficient to determine the role of this variant in disease. Therefore, it has been classified as a Variant of Uncertain Significance.